The following is an entry in ClinVar:

NM_025114.4(CEP290):c.5665G>C (p.Glu1889Gln)

Gene: CEP290 (centrosomal protein 290; minus strand). Cytogenetic location: 12q21.32.
Variant type: single nucleotide variant.
Coding change: c.5665G>C on transcript NM_025114.4 (MANE Select); coding-DNA position 5665, G replaced by C.
Protein change: p.Glu1889Gln; replaces glutamic acid 1889 with glutamine.
Molecular consequence: missense variant.
Genome position (GRCh38, 1-based): chr12:88,077,266, C>G on the plus strand (G>C on the coding strand, the complement: CEP290 is on the minus strand). VCF-style: chr12-88077266-C-G. GRCh37 (hg19) VCF-style: chr12-88471043-C-G.
Other names: short protein forms E1889Q.
Identifiers: ClinVar variation 681518 (VCV000681518.9), dbSNP rs186330724, ClinGen allele CA6711680.

ClinVar aggregate classification (germline): Conflicting classifications of pathogenicity. Review status: criteria provided, conflicting classifications (1 of 4 stars). 4 submissions from 4 submitters: Uncertain significance (3); Likely benign (1). Last evaluated 2026-05-26.

Conditions:
CEP290-related disorder. Also called: CEP290-related condition; CEP290-related disorders. Identifiers: MedGen CN239314.
Nephronophthisis. Also called: Juvenile Nephronophthisis. Identifiers: Orphanet 655, MedGen C0687120, MONDO:0019005, HP:0000090.
Joubert syndrome. Also called: Familial aplasia of the vermis; JOUBERT-BOLTSHAUSER SYNDROME. Identifiers: Orphanet 475, MedGen C5979921, MONDO:0018772.
Meckel-Gruber syndrome. Also called: DYSENCEPHALIA SPLANCHNOCYSTICA; GRUBER SYNDROME; Dysencephalia splachnocystica. Identifiers: Orphanet 564, MedGen C0265215, MONDO:0018921.

Allele frequency attached by ClinVar (database versions not stated): TOPMed below 0.00001; gnomAD 0.00001; gnomAD exomes 0.00002 and 0.00004; ExAC 0.00003; 1000 Genomes Project 30x 0.00016; 1000 Genomes Project 0.00020.
gnomAD v4.1: 13 of 1,605,774 alleles (0.00081%); highest among the groups gnomAD compares: Admixed American, 0.022%; no homozygotes.

Submissions (4):

PreventionGenetics, part of Exact Sciences
Classification: Uncertain significance for CEP290-related condition. Last evaluated: 2026-05-26. Review status: criteria provided, single submitter. Criteria: ACMG Guidelines, 2015. Collection method: clinical testing. Allele origin: germline.
Comment: The CEP290 c.5665G>C variant is predicted to result in the amino acid substitution p.Glu1889Gln. This variant has been reported in a cohort study of testing for rare genetic causes of obesity (Table S1, Roberts et al. 2022. PubMed ID: 35562395). This variant is reported in 0.027% of alleles in individuals of Latino descent in gnomAD. At this time, the clinical significance of this variant is uncertain due to the absence of conclusive functional and genetic evidence.

Blueprint Genetics
Classification: Uncertain significance. Last evaluated: 2022-11-07. Review status: criteria provided, single submitter. Criteria: ACMG Guidelines, 2015. Collection method: clinical testing. Allele origin: germline.

Labcorp Genetics (formerly Invitae), Labcorp
Classification: Uncertain significance for Joubert syndrome; Meckel-Gruber syndrome; Nephronophthisis. Last evaluated: 2022-06-11. Review status: criteria provided, single submitter. Criteria: Invitae Variant Classification Sherloc (09022015). Collection method: clinical testing. Allele origin: germline.
Comment: This sequence change replaces glutamic acid, which is acidic and polar, with glutamine, which is neutral and polar, at codon 1889 of the CEP290 protein (p.Glu1889Gln). This variant is present in population databases (rs186330724, gnomAD 0.03%). This variant has not been reported in the literature in individuals affected with CEP290-related conditions. ClinVar contains an entry for this variant (Variation ID: 681518). Algorithms developed to predict the effect of missense changes on protein structure and function are either unavailable or do not agree on the potential impact of this missense change (SIFT: "Tolerated"; PolyPhen-2: "Possibly Damaging"; Align-GVGD: "Class C0"). In summary, the available evidence is currently insufficient to determine the role of this variant in disease. Therefore, it has been classified as a Variant of Uncertain Significance.

GeneDx
Classification: Likely benign. Last evaluated: 2018-04-02. Review status: criteria provided, single submitter. Criteria: GeneDx Variant Classification (06012015). Collection method: clinical testing. Allele origin: germline. Affected: yes.
Comment: This variant is considered likely benign or benign based on one or more of the following criteria: it is a conservative change, it occurs at a poorly conserved position in the protein, it is predicted to be benign by multiple in silico algorithms, and/or has population frequency not consistent with disease.